The following is an entry in ClinVar:

ClinVar aggregate classification (germline): Pathogenic. Review status: criteria provided, multiple submitters, no conflicts (2 of 4 stars). 2 submissions from 2 submitters: Pathogenic (2). Last evaluated 2022-06-30.

Conditions:
Hereditary factor XI deficiency disease. Also called: Congenital factor XI deficiency; PLASMA THROMBOPLASTIN ANTECEDENT DEFICIENCY; PTA DEFICIENCY; ROSENTHAL SYNDROME. Identifiers: Orphanet 329, MedGen C0015523, MeSH D005173, MONDO:0012897, OMIM 612416.

Submissions (2):

Revvity Omics, Revvity
Classification: Pathogenic for Hereditary factor XI deficiency disease. Last evaluated: 2022-06-30. Review status: criteria provided, single submitter. Criteria: ACMG Guidelines, 2015. Collection method: clinical testing. Allele origin: germline.

Labcorp Genetics (formerly Invitae), Labcorp
Classification: Pathogenic. Last evaluated: 2021-08-06. Review status: criteria provided, single submitter. Criteria: Invitae Variant Classification Sherloc (09022015). Collection method: clinical testing. Allele origin: germline.
Comment: This sequence change creates a premature translational stop signal (p.Thr428Aspfs*15) in the F11 gene. It is expected to result in an absent or disrupted protein product. This variant is not present in population databases (ExAC no frequency). This variant has not been reported in the literature in individuals with F11-related disease. Loss-of-function variants in F11 are known to be pathogenic (PMID: 15728123, 23929304, 25074526). For these reasons, this variant has been classified as Pathogenic.

Literature cited by the submitters: PubMed 15728123 (cited by Labcorp Genetics (formerly Invitae), Labcorp); PubMed 23929304 (cited by Labcorp Genetics (formerly Invitae), Labcorp); PubMed 25074526 (cited by Labcorp Genetics (formerly Invitae), Labcorp).

NM_000128.4(F11):c.1275_1281dup (p.Thr428fs)

Gene: F11 (coagulation factor XI; plus strand). Cytogenetic location: 4q35.2.
Variant type: Duplication.
Coding change: c.1275_1281dup on transcript NM_000128.4 (MANE Select); coding-DNA positions 1275 to 1281, 7 bases duplicated (GATATTA; older notation c.1275_1281dupGATATTA).
Protein change: p.Thr428fs; shifts the reading frame from threonine 428.
Molecular consequence: frameshift variant.
Genome position (GRCh38, 1-based): chr4:186,284,231-186,284,237, GATATTA duplicated. VCF-style (leftmost placement, unchanged base first): chr4-186284230-G-GGATATTA. GRCh37 (hg19) VCF-style: chr4-187205384-G-GGATATTA.
Other names: c.1275_1281dupGATATTA (NM_000128.3); short protein forms T428fs.
Identifiers: ClinVar variation 659228 (VCV000659228.9), dbSNP rs1580098946, ClinGen allele CA915943228.